The following is an entry in ClinVar:

NM_052867.4(NALCN):c.3299A>G (p.Asn1100Ser)

Gene: NALCN (sodium leak channel, non-selective; minus strand). Cytogenetic location: 13q32.3.
Variant type: single nucleotide variant.
Coding change: c.3299A>G on transcript NM_052867.4 (MANE Select); coding-DNA position 3299, A replaced by G.
Protein change: p.Asn1100Ser; replaces asparagine 1100 with serine.
Molecular consequence: missense variant.
Genome position (GRCh38, 1-based): chr13:101,089,937, T>C on the plus strand (A>G on the coding strand, the complement: NALCN is on the minus strand). VCF-style: chr13-101089937-T-C. GRCh37 (hg19) VCF-style: chr13-101742288-T-C.
Other names: c.3386A>G, p.Asn1129Ser (NM_001350748.2); c.3299A>G, p.Asn1100Ser (NM_001350749.2); c.3212A>G, p.Asn1071Ser (NM_001350750.2, NM_001350751.2); short protein forms N1071S, N1100S, N1129S.
Identifiers: ClinVar variation 3339455 (VCV003339455.1).
Genomic context (GRCh38, chr13:101,089,937, plus strand): 5'-ACTTCCACCCAGCCTTTCAAGGAGAGAACTTCAAACAACGCCAGCATAGCGTTTCCCACA[T>C]TGTCGAAATTAAAGTTCCGAGGATTCGCCCTGCGATTCCAATACAGGAATGTTCTGTGAA-3'
Protein context (NP_443099.1, residues 1090-1110): WANPRNFNFD[Asn1100Ser]VGNAMLALFE

ClinVar aggregate classification (germline): Uncertain significance (1 of 4 stars; one submission).

gnomAD v4.1: 1 of 1,614,008 alleles (0.000062%); highest among the groups gnomAD compares: Non-Finnish European, 0.000085%; no homozygotes.

Submission:

Women's Health and Genetics/Laboratory Corporation of America, LabCorp
Classification: Uncertain significance. Last evaluated: 2024-07-31. Review status: criteria provided, single submitter. Criteria: LabCorp Variant Classification Summary - May 2015. Collection method: clinical testing. Allele origin: germline.
Comment: Variant summary: NALCN c.3299A>G (p.Asn1100Ser) results in a conservative amino acid change located in the Ion transport domain (IPR005821) of the encoded protein sequence. Three of five in-silico tools predict a damaging effect of the variant on protein function. The variant was absent in 250842 control chromosomes. The available data on variant occurrences in the general population are insufficient to allow any conclusion about variant significance. To our knowledge, no occurrence of c.3299A>G in individuals affected with Congenital Contractures Of The Limbs And Face, Hypotonia, And Developmental Delay and no experimental evidence demonstrating its impact on protein function have been reported. No submitters have cited clinical-significance assessments for this variant to ClinVar. Based on the evidence outlined above, the variant was classified as uncertain significance.